The following is an entry in ClinVar:

NM_000218.3(KCNQ1):c.1561C>T (p.Gln521Ter)

Gene: KCNQ1 (potassium voltage-gated channel subfamily Q member 1; plus strand). Cytogenetic location: 11p15.5.
Variant type: single nucleotide variant.
Coding change: c.1561C>T on transcript NM_000218.3 (MANE Select); coding-DNA position 1561, C replaced by T.
Protein change: p.Gln521Ter; replaces glutamine 521 with a stop codon.
Molecular consequence: nonsense.
Genome position (GRCh38, 1-based): chr11:2,768,890, C>T. VCF-style: chr11-2768890-C-T. GRCh37 (hg19) VCF-style: chr11-2790120-C-T.
Other names: c.1465C>T, p.Gln489Ter (NM_001406836.1); c.1291C>T, p.Gln431Ter (NM_001406837.1); c.1021C>T, p.Gln341Ter (NM_001406838.1); c.1180C>T, p.Gln394Ter (NM_181798.2); short protein forms Q431*, Q341*, Q489*, Q521*, Q394*.
Identifiers: ClinVar variation 3659274 (VCV003659274.2).

ClinVar aggregate classification (germline): Pathogenic (1 of 4 stars; one submission).

Conditions:
Long QT syndrome (LQTS). Identifiers: MedGen C0023976, MeSH D008133, MONDO:0002442. Disease mechanism: loss of function. Inheritance: Various modes of inheritance.

Submission:

Labcorp Genetics (formerly Invitae), Labcorp
Classification: Pathogenic for Long QT syndrome. Last evaluated: 2025-05-01. Review status: criteria provided, single submitter. Criteria: Invitae Variant Classification Sherloc (09022015). Collection method: clinical testing. Allele origin: germline.
Comment: This sequence change creates a premature translational stop signal (p.Gln521*) in the KCNQ1 gene. It is expected to result in an absent or disrupted protein product. Loss-of-function variants in KCNQ1 are known to be pathogenic (PMID: 9323054, 19862833). This variant is not present in population databases (gnomAD no frequency). This variant has not been reported in the literature in individuals affected with KCNQ1-related conditions. ClinVar contains an entry for this variant (Variation ID: 3659274). For these reasons, this variant has been classified as Pathogenic.

Literature cited by the submitters: PubMed 9323054; PubMed 19862833.